The following is an entry in ClinVar:

NM_000038.6(APC):c.4914G>A (p.Met1638Ile)

Gene: APC (APC regulator of Wnt signaling pathway; plus strand). Cytogenetic location: 5q22.2.
Variant type: single nucleotide variant.
Coding change: c.4914G>A on transcript NM_000038.6 (MANE Select); coding-DNA position 4914, G replaced by A.
Protein change: p.Met1638Ile; replaces methionine 1638 with isoleucine.
Molecular consequence: missense variant.
Genome position (GRCh38, 1-based): chr5:112,840,508, G>A. VCF-style: chr5-112840508-G-A. GRCh37 (hg19) VCF-style: chr5-112176205-G-A.
Other names: c.4914G>A, p.Met1638Ile (NM_001127510.3, NM_001354895.2); c.4860G>A, p.Met1620Ile (NM_001127511.3); c.4968G>A, p.Met1656Ile (NM_001354896.2); c.4944G>A, p.Met1648Ile (NM_001354897.2); c.4839G>A, p.Met1613Ile (NM_001354898.2); c.4830G>A, p.Met1610Ile (NM_001354899.2); c.4791G>A, p.Met1597Ile (NM_001354900.2); c.4737G>A, p.Met1579Ile (NM_001354901.2); and 5 more; short protein forms M1355I, M1478I, M1512I, M1537I, M1547I, M1579I, M1597I, M1610I.
Identifiers: ClinVar variation 1172116 (VCV001172116.7), dbSNP rs2149927242, ClinGen allele CA16032097.

ClinVar aggregate classification (germline): Uncertain significance. Review status: criteria provided, multiple submitters, no conflicts (2 of 4 stars). 3 submissions from 3 submitters: Uncertain significance (3). Last evaluated 2025-03-22.

Conditions:
Familial adenomatous polyposis 1 (FAP1). Also called: FAMILIAL ADENOMATOUS POLYPOSIS 1, ATTENUATED; POLYPOSIS, ADENOMATOUS INTESTINAL. Identifiers: MedGen C2713442, MONDO:0021056, OMIM 175100. Disease mechanism: loss of function.
Hereditary cancer-predisposing syndrome. Also called: Tumor predisposition; Hereditary neoplastic syndrome; Hereditary Cancer Syndrome; Neoplastic Syndromes, Hereditary. Identifiers: Orphanet 140162, MedGen C0027672, MeSH D009386, MONDO:0015356.

Submissions (3):

Ambry Genetics
Classification: Uncertain significance for Hereditary cancer-predisposing syndrome. Last evaluated: 2025-03-22. Review status: criteria provided, single submitter. Criteria: Ambry Variant Classification Scheme 2023. Collection method: clinical testing. Allele origin: germline.
Comment: The p.M1638I variant (also known as c.4914G>A), located in coding exon 15 of the APC gene, results from a G to A substitution at nucleotide position 4914. The methionine at codon 1638 is replaced by isoleucine, an amino acid with highly similar properties. This amino acid position is conserved. In addition, in silico predictors for this gene do not accurately predict pathogenicity. Based on the available evidence, the clinical significance of this variant remains unclear.

Color Diagnostics, LLC DBA Color Health
Classification: Uncertain significance for Hereditary cancer-predisposing syndrome. Last evaluated: 2024-03-06. Review status: criteria provided, single submitter. Criteria: ACMG Guidelines, 2015. Collection method: clinical testing. Allele origin: germline.
Comment: This missense variant replaces methionine with isoleucine at codon 1638 of the APC protein. Computational prediction suggests that this variant may not impact protein structure and function (internally defined REVEL score threshold <= 0.5, PMID: 27666373). To our knowledge, functional studies have not been reported for this variant. This variant has not been reported in individuals affected with hereditary cancer in the literature. This variant has not been identified in the general population by the Genome Aggregation Database (gnomAD). The available evidence is insufficient to determine the role of this variant in disease conclusively. Therefore, this variant is classified as a Variant of Uncertain Significance.

Labcorp Genetics (formerly Invitae), Labcorp
Classification: Uncertain significance for Familial adenomatous polyposis 1. Last evaluated: 2022-12-01. Review status: criteria provided, single submitter. Criteria: Invitae Variant Classification Sherloc (09022015). Collection method: clinical testing. Allele origin: germline.
Comment: Advanced modeling of protein sequence and biophysical properties (such as structural, functional, and spatial information, amino acid conservation, physicochemical variation, residue mobility, and thermodynamic stability) performed at Invitae indicates that this missense variant is not expected to disrupt APC protein function. In summary, the available evidence is currently insufficient to determine the role of this variant in disease. Therefore, it has been classified as a Variant of Uncertain Significance. ClinVar contains an entry for this variant (Variation ID: 1172116). This variant has not been reported in the literature in individuals affected with APC-related conditions. This variant is not present in population databases (gnomAD no frequency). This sequence change replaces methionine, which is neutral and non-polar, with isoleucine, which is neutral and non-polar, at codon 1638 of the APC protein (p.Met1638Ile).